The following is an entry in ClinVar:

ClinVar aggregate classification (germline): Uncertain significance (1 of 4 stars; one submission).

Allele frequency attached by ClinVar (database versions not stated): gnomAD 0.00001; TOPMed 0.00003.
gnomAD v4.1: 8 of 1,613,476 alleles (0.0005%); highest among the groups gnomAD compares: Admixed American, 0.0033%; no homozygotes.

Submission:

Labcorp Genetics (formerly Invitae), Labcorp
Classification: Uncertain significance. Last evaluated: 2022-04-07. Review status: criteria provided, single submitter. Criteria: Invitae Variant Classification Sherloc (09022015). Collection method: clinical testing. Allele origin: germline.
Comment: In summary, the available evidence is currently insufficient to determine the role of this variant in disease. Therefore, it has been classified as a Variant of Uncertain Significance. Algorithms developed to predict the effect of sequence changes on RNA splicing suggest that this variant may create or strengthen a splice site. Algorithms developed to predict the effect of missense changes on protein structure and function are either unavailable or do not agree on the potential impact of this missense change (SIFT: "Tolerated"; PolyPhen-2: "Possibly Damaging"; Align-GVGD: "Class C0"). This variant has not been reported in the literature in individuals affected with CSGALNACT1-related conditions. This variant is not present in population databases (gnomAD no frequency). This sequence change replaces isoleucine, which is neutral and non-polar, with valine, which is neutral and non-polar, at codon 436 of the CSGALNACT1 protein (p.Ile436Val).

NM_001354483.2(CSGALNACT1):c.1306A>G (p.Ile436Val)

Gene: CSGALNACT1 (chondroitin sulfate N-acetylgalactosaminyltransferase 1; minus strand). Cytogenetic location: 8p21.3.
Variant type: single nucleotide variant.
Coding change: c.1306A>G on transcript NM_001354483.2 (MANE Select); coding-DNA position 1306, A replaced by G.
Protein change: p.Ile436Val; replaces isoleucine 436 with valine.
Molecular consequence: missense variant. On other transcripts: non-coding transcript variant (7).
Genome position (GRCh38, 1-based): chr8:19,408,616, T>C on the plus strand (A>G on the coding strand, the complement: CSGALNACT1 is on the minus strand). VCF-style: chr8-19408616-T-C. GRCh37 (hg19) VCF-style: chr8-19266127-T-C.
Other names: c.1306A>G, p.Ile436Val (NM_001130518.2, NM_001354475.2, NM_001354476.2 and 18 more transcripts); short protein forms I436V.
Identifiers: ClinVar variation 1443787 (VCV001443787.7), dbSNP rs1033341419, ClinGen allele CA173294247.